The following is an entry in ClinVar:

ClinVar aggregate classification (germline): Uncertain significance. Review status: criteria provided, multiple submitters, no conflicts (2 of 4 stars). 3 submissions from 3 submitters: Uncertain significance (3). Last evaluated 2023-01-25.

Conditions:
Multiple gastrointestinal atresias. Also called: FAMILIAL INTESTINAL POLYATRESIA SYNDROME; Multiple intestinal atresia. Identifiers: Orphanet 2300, MedGen C0220744, MONDO:0009465.
Gastrointestinal defects and immunodeficiency syndrome 1 (GIDID1). Also called: Combined immunodeficiency-enteropathy spectrum. Identifiers: Orphanet 436252, MedGen C5968858, MONDO:0800030, OMIM 243150.

Allele frequency attached by ClinVar (database versions not stated): gnomAD 0.00001; gnomAD exomes 0.00002 and 0.00003; TOPMed 0.00002; ExAC 0.00003.
gnomAD v4.1: 41 of 1,613,628 alleles (0.0025%); highest among the groups gnomAD compares: Middle Eastern, 0.15%; 1 homozygote.

Submissions (3):

Revvity Omics, Revvity
Classification: Uncertain significance for Gastrointestinal defects and immunodeficiency syndrome 1. Last evaluated: 2023-01-25. Review status: criteria provided, single submitter. Criteria: ACMG Guidelines, 2015. Collection method: clinical testing. Allele origin: germline.

Labcorp Genetics (formerly Invitae), Labcorp
Classification: Uncertain significance for Multiple gastrointestinal atresias. Last evaluated: 2022-08-23. Review status: criteria provided, single submitter. Criteria: Invitae Variant Classification Sherloc (09022015). Collection method: clinical testing. Allele origin: germline.
Comment: This sequence change replaces alanine, which is neutral and non-polar, with serine, which is neutral and polar, at codon 815 of the TTC7A protein (p.Ala815Ser). This variant is present in population databases (rs779096998, gnomAD 0.004%). This variant has not been reported in the literature in individuals affected with TTC7A-related conditions. ClinVar contains an entry for this variant (Variation ID: 658096). Algorithms developed to predict the effect of missense changes on protein structure and function are either unavailable or do not agree on the potential impact of this missense change (SIFT: "Tolerated"; PolyPhen-2: "Probably Damaging"; Align-GVGD: "Class C0"). In summary, the available evidence is currently insufficient to determine the role of this variant in disease. Therefore, it has been classified as a Variant of Uncertain Significance.

Blueprint Genetics
Classification: Uncertain significance. Last evaluated: 2022-01-13. Review status: criteria provided, single submitter. Criteria: ACMG Guidelines, 2015. Collection method: clinical testing. Allele origin: germline.

NM_020458.4(TTC7A):c.2443G>T (p.Ala815Ser)

Gene: TTC7A (tetratricopeptide repeat domain 7A; plus strand). Cytogenetic location: 2p21.
Variant type: single nucleotide variant.
Coding change: c.2443G>T on transcript NM_020458.4 (MANE Select); coding-DNA position 2443, G replaced by T.
Protein change: p.Ala815Ser; replaces alanine 815 with serine.
Molecular consequence: missense variant.
Genome position (GRCh38, 1-based): chr2:47,073,789, G>T. VCF-style: chr2-47073789-G-T. GRCh37 (hg19) VCF-style: chr2-47300928-G-T.
Other names: c.2443G>T, p.Ala815Ser (LRG_1323t1); c.2515G>T, p.Ala839Ser (NM_001288951.2); c.2341G>T, p.Ala781Ser (NM_001288953.2); c.1381G>T, p.Ala461Ser (NM_001288955.2); short protein forms A815S, A461S, A839S, A781S.
Identifiers: ClinVar variation 658096 (VCV000658096.7), dbSNP rs779096998, ClinGen allele CA1648165.